The following is an entry in ClinVar:

NM_015100.4(POGZ):c.3307C>T (p.Leu1103Phe)

Gene: POGZ (pogo transposable element derived with ZNF domain; minus strand). Cytogenetic location: 1q21.3.
Variant type: single nucleotide variant.
Coding change: c.3307C>T on transcript NM_015100.4 (MANE Select); coding-DNA position 3307, C replaced by T.
Protein change: p.Leu1103Phe; replaces leucine 1103 with phenylalanine.
Molecular consequence: missense variant.
Genome position (GRCh38, 1-based): chr1:151,405,728, G>A on the plus strand (C>T on the coding strand, the complement: POGZ is on the minus strand). VCF-style: chr1-151405728-G-A. GRCh37 (hg19) VCF-style: chr1-151378204-G-A.
Other names: c.3280C>T, p.Leu1094Phe (NM_001194937.2); c.3121C>T, p.Leu1041Phe (NM_001194938.2); c.3328C>T, p.Leu1110Phe (NM_001410860.1); c.3022C>T, p.Leu1008Phe (NM_145796.4); c.3148C>T, p.Leu1050Phe (NM_207171.2); short protein forms L1008F, L1041F, L1050F, L1094F, L1103F, L1110F.
Identifiers: ClinVar variation 2435134 (VCV002435134.27), dbSNP rs768284272, ClinGen allele CA1090981.

ClinVar aggregate classification (germline): Conflicting classifications of pathogenicity. Review status: criteria provided, conflicting classifications (1 of 4 stars). 2 submissions from 2 submitters: Uncertain significance (1); Benign (1). Last evaluated 2022-07-01.

Conditions:
Intellectual disability-microcephaly-strabismus-behavioral abnormalities syndrome. Also called: White-Sutton Syndrome. Identifiers: Orphanet 468678, MedGen C4225351, MONDO:0014606, OMIM 616364.

Allele frequency attached by ClinVar (database versions not stated): TOPMed 0.00001; gnomAD 0.00003; gnomAD exomes 0.00005; ExAC 0.00021.

Submissions (2):

CeGaT Center for Human Genetics Tuebingen
Classification: Benign. Last evaluated: 2022-07-01. Review status: criteria provided, single submitter. Criteria: CeGaT Center For Human Genetics Tuebingen Variant Classification Criteria Version 2. Collection method: clinical testing. Allele origin: germline. Affected: yes. Observed: 1 variant allele.
Comment: POGZ: BS1, BS2

Revvity Omics, Revvity
Classification: Uncertain significance for Intellectual disability-microcephaly-strabismus-behavioral abnormalities syndrome. Last evaluated: 2019-05-23. Review status: criteria provided, single submitter. Criteria: ACMG Guidelines, 2015. Collection method: clinical testing. Allele origin: germline.